The following is an entry in ClinVar:

NM_000018.4(ACADVL):c.1429T>C (p.Cys477Arg)

Gene: ACADVL (acyl-CoA dehydrogenase very long chain; plus strand). Cytogenetic location: 17p13.1.
Variant type: single nucleotide variant.
Coding change: c.1429T>C on transcript NM_000018.4 (MANE Select); coding-DNA position 1429, T replaced by C.
Protein change: p.Cys477Arg; replaces cysteine 477 with arginine.
Molecular consequence: missense variant.
Genome position (GRCh38, 1-based): chr17:7,224,064, T>C. VCF-style: chr17-7224064-T-C. GRCh37 (hg19) VCF-style: chr17-7127383-T-C.
Other names: c.1363T>C, p.Cys455Arg (NM_001033859.3); c.1498T>C, p.Cys500Arg (NM_001270447.2); c.1201T>C, p.Cys401Arg (NM_001270448.2); short protein forms C455R, C500R, C401R, C477R.
Identifiers: ClinVar variation 932809 (VCV000932809.2), dbSNP rs2071357577, ClinGen allele CA397725092.
Genomic context (GRCh38, chr17:7,224,064, plus strand): 5'-ATCTTCCGGATCTTTGAGGGGACAAATGACATTCTTCGGCTGTTTGTGGCTCTGCAGGGC[T>C]GTATGGTAAGACAGAGAATTGGGTGGGGGTAGAGGTGGGGAGGACAGTGAGTCCTGACTG-3'
Protein context (NP_000009.1, residues 467-487): ILRLFVALQG[Cys477Arg]MDKGKELSGL

ClinVar aggregate classification (germline): Uncertain significance (1 of 4 stars; one submission).

Conditions:
Very long chain acyl-CoA dehydrogenase deficiency (ACADVLD). Also called: Very Long-Chain Acyl-Coenzyme A Dehydrogenase Deficiency; VLCAD Deficiency. Identifiers: Orphanet 26793, MedGen C3887523, MONDO:0008723, OMIM 201475.

Submission:

Wong Mito Lab, Molecular and Human Genetics, Baylor College of Medicine
Classification: Uncertain significance for Very long chain acyl-CoA dehydrogenase deficiency. Last evaluated: 2019-11-01. Review status: criteria provided, single submitter. Criteria: ACMG Guidelines, 2015. Collection method: clinical testing. Allele origin: germline.
Comment: The NM_000018.3:c.1429T>C (NP_000009.1:p.Cys477Arg) [GRCH38: NC_000017.11:g.7224064T>C] variant in ACADVL gene is interpretated to be Uncertain Significance based on ACMG guidelines (PMID: 25741868). This variant has been reported. This variant meets the following evidence codes reported in the ACMG guidelines: PM1, PM5